The following is an entry in ClinVar:

ClinVar aggregate classification (germline): Uncertain significance. Review status: criteria provided, multiple submitters, no conflicts (2 of 4 stars). 2 submissions from 2 submitters: Uncertain significance (2). Last evaluated 2025-06-12.

Conditions:
Inborn genetic diseases. Identifiers: MedGen C0950123, MeSH D030342.

Allele frequency attached by ClinVar (database versions not stated): 1000 Genomes Project 0.00020; 1000 Genomes Project 30x 0.00016.

Submissions (2):

Labcorp Genetics (formerly Invitae), Labcorp
Classification: Uncertain significance. Last evaluated: 2025-06-12. Review status: criteria provided, single submitter. Criteria: Invitae Variant Classification Sherloc (09022015). Collection method: clinical testing. Allele origin: germline.
Comment: This sequence change replaces proline, which is neutral and non-polar, with leucine, which is neutral and non-polar, at codon 140 of the FOXC2 protein (p.Pro140Leu). This variant is present in population databases (rs201833900, gnomAD 0.03%). This variant has not been reported in the literature in individuals affected with FOXC2-related conditions. ClinVar contains an entry for this variant (Variation ID: 2381673). An algorithm developed to predict the effect of missense changes on protein structure and function (PolyPhen-2) suggests that this variant is likely to be disruptive. In summary, the available evidence is currently insufficient to determine the role of this variant in disease. Therefore, it has been classified as a Variant of Uncertain Significance.

Ambry Genetics
Classification: Uncertain significance for Inborn genetic diseases. Last evaluated: 2025-03-08. Review status: criteria provided, single submitter. Criteria: Ambry Variant Classification Scheme 2023. Collection method: clinical testing. Allele origin: germline.

NM_005251.3(FOXC2):c.419C>T (p.Pro140Leu)

Genes: FOXC2 (forkhead box C2; plus strand), FOXC2-AS1 (FOXC2 antisense RNA 1; minus strand). Cytogenetic location: 16q24.1.
Variant type: single nucleotide variant.
Coding change: c.419C>T on transcript NM_005251.3 (MANE Select); coding-DNA position 419, C replaced by T.
Protein change: p.Pro140Leu; replaces proline 140 with leucine.
Molecular consequence: missense variant. On other transcripts: non-coding transcript variant (1).
Genome position (GRCh38, 1-based): chr16:86,567,754, C>T. VCF-style: chr16-86567754-C-T. GRCh37 (hg19) VCF-style: chr16-86601360-C-T.
Other names: short protein forms P140L.
Identifiers: ClinVar variation 2381673 (VCV002381673.6), dbSNP rs201833900, ClinGen allele CA8218323.